The following is an entry in ClinVar:

ClinVar aggregate classification (germline): Uncertain significance (1 of 4 stars; one submission).

Conditions:
CHARGE syndrome (CHARGE). Also called: Hittner Hirsch Kreh syndrome; CHARGE ASSOCIATION--COLOBOMA, HEART ANOMALY, CHOANAL ATRESIA, RETARDATION, GENITAL AND EAR ANOMALIES; Coloboma, heart anomaly, choanal atresia, retardation, genital and ear anomalies; CHARGE association; Hall-Hittner syndrome. Identifiers: Orphanet 138, MedGen C0265354, MONDO:0008965.

gnomAD v4.1: 2 of 1,613,782 alleles (0.00012%); highest among the groups gnomAD compares: Admixed American, 0.0033%; no homozygotes.

Submission:

Labcorp Genetics (formerly Invitae), Labcorp
Classification: Uncertain significance for CHARGE syndrome. Last evaluated: 2025-12-20. Review status: criteria provided, single submitter. Criteria: Invitae Variant Classification Sherloc (09022015). Collection method: clinical testing. Allele origin: germline.
Comment: This sequence change replaces tyrosine, which is neutral and polar, with cysteine, which is neutral and slightly polar, at codon 504 of the SEMA3E protein (p.Tyr504Cys). This variant is present in population databases (rs779888216, gnomAD 0.009%). This variant has not been reported in the literature in individuals affected with SEMA3E-related conditions. Invitae Evidence Modeling of protein sequence and biophysical properties (such as structural, functional, and spatial information, amino acid conservation, physicochemical variation, residue mobility, and thermodynamic stability) indicates that this missense variant is expected to disrupt SEMA3E protein function with a positive predictive value of 80%. In summary, the available evidence is currently insufficient to determine the role of this variant in disease. Therefore, it has been classified as a Variant of Uncertain Significance.

NM_012431.3(SEMA3E):c.1511A>G (p.Tyr504Cys)

Gene: SEMA3E (semaphorin 3E; minus strand). Cytogenetic location: 7q21.11.
Variant type: single nucleotide variant.
Coding change: c.1511A>G on transcript NM_012431.3 (MANE Select); coding-DNA position 1511, A replaced by G.
Protein change: p.Tyr504Cys; replaces tyrosine 504 with cysteine.
Molecular consequence: missense variant.
Genome position (GRCh38, 1-based): chr7:83,392,711, T>C on the plus strand (A>G on the coding strand, the complement: SEMA3E is on the minus strand). VCF-style: chr7-83392711-T-C. GRCh37 (hg19) VCF-style: chr7-83022027-T-C.
Other names: c.1331A>G, p.Tyr444Cys (NM_001178129.2); short protein forms Y444C, Y504C.
Identifiers: ClinVar variation 4699297 (VCV004699297.1).
Genomic context (GRCh38, chr7:83,392,711, plus strand): 5'-CTTCCATACATGTCACAGTGATGGAATCTGACTTGAGCCACAGCAGAAGCAGATCCAATA[T>C]ACAGCTGTTGCTACAGAAATCAGAAAGAGGTCACTAGCAGAAATGGACAAAACTTTCACT-3'
Protein context (NP_036563.1, residues 494-514): MEISSKRQQL[Tyr504Cys]IGSASAVAQV